The following is an entry in ClinVar:

NM_003742.4(ABCB11):c.1621A>G (p.Ile541Val)

Gene: ABCB11 (ATP binding cassette subfamily B member 11; minus strand). Cytogenetic location: 2q31.1.
Variant type: single nucleotide variant.
Coding change: c.1621A>G on transcript NM_003742.4 (MANE Select); coding-DNA position 1621, A replaced by G.
Protein change: p.Ile541Val; replaces isoleucine 541 with valine.
Molecular consequence: missense variant.
Genome position (GRCh38, 1-based): chr2:168,971,864, T>C on the plus strand (A>G on the coding strand, the complement: ABCB11 is on the minus strand). VCF-style: chr2-168971864-T-C. GRCh37 (hg19) VCF-style: chr2-169828374-T-C.
Other names: short protein forms I541V.
Identifiers: ClinVar variation 3896424 (VCV003896424.3).

ClinVar aggregate classification (germline): Uncertain significance. Review status: criteria provided, multiple submitters, no conflicts (2 of 4 stars). 2 submissions from 2 submitters: Uncertain significance (2). Last evaluated 2026-04-14.

Conditions:
Familial intrahepatic cholestasis. Identifiers: Orphanet 284385, MedGen CN296401, MONDO:0017290.

gnomAD v4.1: 1 of 1,612,690 alleles (0.000062%); highest among the groups gnomAD compares: Non-Finnish European, 0.000085%; no homozygotes.

Submissions (2):

Genomenon, Inc
Classification: Uncertain significance for Familial intrahepatic cholestasis. Last evaluated: 2026-04-14. Review status: criteria provided, single submitter. Criteria: Genomenon Sequence Variant Interpretation Standards - Updated. Collection method: curation. Allele origin: germline. Affected: no.
Comment: ABCB11 p.Ile541Val (c.1621A>G) is a missense variant that changes the amino acid at residue 541 from Isoleucine to Valine. This variant has been reported in the published literature (PMID:37168916). The presence of pathogenic or likely pathogenic missense variant(s) at the same amino acid position indicates that this residue is likely important for protein function. It is absent or not present at a significant frequency in gnomAD. In conclusion, we classify ABCB11 p.Ile541Val (c.1621A>G) as a variant of uncertain significance.

Women's Health and Genetics/Laboratory Corporation of America, LabCorp
Classification: Uncertain significance. Last evaluated: 2025-04-08. Review status: criteria provided, single submitter. Criteria: LabCorp Variant Classification Summary - May 2015. Collection method: clinical testing. Allele origin: germline.
Comment: Variant summary: ABCB11 c.1621A>G (p.Ile541Val) results in a conservative amino acid change in the encoded protein sequence. Three of four in-silico tools predict a damaging effect of the variant on protein function. The variant was absent in 248404 control chromosomes. The available data on variant occurrences in the general population are insufficient to allow any conclusion about variant significance. c.1621A>G has been reported in the literature in the heterozygous state in at least one individual affected with intrahepatic biliary hypoplasia (Ito_2022). These report(s) do not provide unequivocal conclusions about association of the variant with Familial Intrahepatic Cholestasis. To our knowledge, no experimental evidence demonstrating an impact on protein function has been reported. A different variant affecting the same codon has been classified as pathogenic by our lab (c.1621A>C p.Ile541Leu), supporting the critical relevance of codon 541 to ABCB11 protein function. The following publication have been ascertained in the context of this evaluation (PMID: 37168916). No submitters have cited clinical-significance assessments for this variant to ClinVar. Based on the evidence outlined above, the variant was classified as uncertain significance.

Literature cited by the submitters: PubMed 37168916 (cited by Genomenon, Inc and Women's Health and Genetics/Laboratory Corporation of America, LabCorp).